The following is an entry in ClinVar:

NM_001042492.3(NF1):c.5479A>G (p.Ile1827Val)

Gene: NF1 (neurofibromin 1; plus strand). Cytogenetic location: 17q11.2.
Variant type: single nucleotide variant.
Coding change: c.5479A>G on transcript NM_001042492.3 (MANE Select); coding-DNA position 5479, A replaced by G.
Protein change: p.Ile1827Val; replaces isoleucine 1827 with valine.
Molecular consequence: missense variant.
Genome position (GRCh38, 1-based): chr17:31,327,709, A>G. VCF-style: chr17-31327709-A-G. GRCh37 (hg19) VCF-style: chr17-29654727-A-G.
Other names: c.5416A>G, p.Ile1806Val (NM_000267.4); short protein forms I1806V, I1827V.
Identifiers: ClinVar variation 641217 (VCV000641217.10), dbSNP rs1299780528, ClinGen allele CA399009533.

ClinVar aggregate classification (germline): Conflicting classifications of pathogenicity. Review status: criteria provided, conflicting classifications (1 of 4 stars). 3 submissions from 3 submitters: Uncertain significance (2); Likely benign (1). Last evaluated 2025-10-23.

Conditions:
Juvenile myelomonocytic leukemia (JMML). Also called: LEUKEMIA, JUVENILE MYELOMONOCYTIC, SOMATIC. Identifiers: Orphanet 86834, MedGen C0349639, MONDO:0011908, OMIM 607785, HP:0012209.
Neurofibromatosis, type 1 (NF1). Also called: NEUROFIBROMATOSIS, TYPE I, SOMATIC; VON RECKLINGHAUSEN DISEASE; Neurofibromatosis, type I; Peripheral type neurofibromatosis. Identifiers: Orphanet 636, MedGen C0027831, MONDO:0018975, OMIM 162200. Disease mechanism: loss of function.
Hereditary cancer-predisposing syndrome. Also called: Neoplastic Syndromes, Hereditary; Hereditary Cancer Syndrome; Hereditary neoplastic syndrome; Tumor predisposition. Identifiers: Orphanet 140162, MedGen C0027672, MeSH D009386, MONDO:0015356.
Cardiovascular phenotype. Identifiers: MedGen CN230736.

Allele frequency attached by ClinVar (database versions not stated): gnomAD exomes below 0.00001; TOPMed 0.00001.
gnomAD v4.1: 1 of 1,614,136 alleles (0.000062%); highest among the groups gnomAD compares: Non-Finnish European, 0.000085%; no homozygotes.

Submissions (3):

Ambry Genetics
Classification: Uncertain significance for Cardiovascular phenotype; Hereditary cancer-predisposing syndrome. Last evaluated: 2025-10-23. Review status: criteria provided, single submitter. Criteria: Ambry Variant Classification Scheme 2023. Collection method: clinical testing. Allele origin: germline.
Comment: The p.I1806V variant (also known as c.5416A>G), located in coding exon 37 of the NF1 gene, results from an A to G substitution at nucleotide position 5416. The isoleucine at codon 1806 is replaced by valine, an amino acid with highly similar properties. This amino acid position is highly conserved in available vertebrate species. In addition, the in silico prediction for this alteration is inconclusive. Based on the available evidence, the clinical significance of this variant remains unclear.

Labcorp Genetics (formerly Invitae), Labcorp
Classification: Likely benign for Neurofibromatosis, type 1. Last evaluated: 2025-07-07. Review status: criteria provided, single submitter. Criteria: Invitae Variant Classification Sherloc (09022015). Collection method: clinical testing. Allele origin: germline.

Baylor Genetics
Classification: Uncertain significance for Juvenile myelomonocytic leukemia. Last evaluated: 2023-11-02. Review status: criteria provided, single submitter. Criteria: ACMG Guidelines, 2015. Collection method: clinical testing. Allele origin: unknown.